The following is an entry in ClinVar:

NM_001288705.3(CSF1R):c.349G>A (p.Val117Met)

Gene: CSF1R (colony stimulating factor 1 receptor; minus strand). Cytogenetic location: 5q32.
Variant type: single nucleotide variant.
Coding change: c.349G>A on transcript NM_001288705.3 (MANE Select); coding-DNA position 349, G replaced by A.
Protein change: p.Val117Met; replaces valine 117 with methionine.
Molecular consequence: missense variant. On other transcripts: 5 prime UTR variant (1), non-coding transcript variant (2).
Genome position (GRCh38, 1-based): chr5:150,080,295, C>T on the plus strand (G>A on the coding strand, the complement: CSF1R is on the minus strand). VCF-style: chr5-150080295-C-T. GRCh37 (hg19) VCF-style: chr5-149459858-C-T.
Other names: p.Val117Met; c.349G>A, p.Val117Met (NM_001349736.2, NM_001375320.1, NM_005211.4); c.-96G>A (NM_001375321.1); c.349G>A (NM_005211.3); short protein forms V117M.
Identifiers: ClinVar variation 930578 (VCV000930578.4), dbSNP rs566891025, ClinGen allele CA3507199.

ClinVar aggregate classification (germline): Uncertain significance. Review status: criteria provided, multiple submitters, no conflicts (2 of 4 stars). 2 submissions from 2 submitters: Uncertain significance (2). Last evaluated 2023-05-11.

Conditions:
Brain abnormalities, neurodegeneration, and dysosteosclerosis. Identifiers: MedGen C5193117, MONDO:0032772, OMIM 618476.

Allele frequency attached by ClinVar (database versions not stated): TOPMed below 0.00001; gnomAD 0.00001; gnomAD exomes 0.00001 and 0.00002; ExAC 0.00003; 1000 Genomes Project 30x 0.00016; 1000 Genomes Project 0.00020.
gnomAD v4.1: 22 of 1,613,848 alleles (0.0014%); highest among the groups gnomAD compares: East Asian, 0.011%; no homozygotes.

Submissions (2):

Mayo Clinic Laboratories, Mayo Clinic
Classification: Uncertain significance. Last evaluated: 2023-05-11. Review status: criteria provided, single submitter. Criteria: ACMG Guidelines, 2015. Collection method: clinical testing. Allele origin: germline. Observed: 1 variant allele.
Comment: BP4

Centre for Mendelian Genomics, University Medical Centre Ljubljana
Classification: Uncertain significance for Brain abnormalities, neurodegeneration, and dysosteosclerosis. Last evaluated: 2019-11-04. Review status: criteria provided, single submitter. Criteria: ACMG Guidelines, 2015. Collection method: clinical testing. Allele origin: unknown. Affected: yes.
Comment: This variant was classified as: Uncertain significance. The available evidence on this variant's pathogenicity is insufficient or conflicting. The following ACMG criteria were applied in classifying this variant: PM2,BP4.